The following is an entry in ClinVar:

ClinVar aggregate classification (germline): Uncertain significance (1 of 4 stars; one submission).

Conditions:
Hereditary cancer-predisposing syndrome. Also called: Neoplastic Syndromes, Hereditary; Tumor predisposition; Hereditary neoplastic syndrome; Hereditary Cancer Syndrome. Identifiers: Orphanet 140162, MedGen C0027672, MeSH D009386, MONDO:0015356.

Submission:

Ambry Genetics
Classification: Uncertain significance for Hereditary cancer-predisposing syndrome. Last evaluated: 2026-09-02. Review status: criteria provided, single submitter. Criteria: Ambry Variant Classification Scheme 2023. Collection method: clinical testing. Allele origin: germline.
Comment: The c.3583-2A>G intronic variant results from an A to G substitution two nucleotides upstream from coding exon 30 in the POLE gene. Variants that disrupt the canonical splice site are expected to result in aberrant splicing. In silico splice site analysis predicts that this alteration will weaken the native splice acceptor site. A resulting transcript is predicted to be in-frame and is not expected to trigger nonsense-mediated mRNAdecay; although, direct evidence is unavailable. This nucleotide position is highly conserved in available vertebrate species. Based on the available evidence, the clinical significance of this variant remains unclear.

NM_006231.4(POLE):c.3583-2A>G

Gene: POLE (DNA polymerase epsilon, catalytic subunit; minus strand). Cytogenetic location: 12q24.33.
Variant type: single nucleotide variant.
Coding change: c.3583-2A>G on transcript NM_006231.4 (MANE Select); the canonical splice acceptor site of the intron before coding-DNA position 3583, A replaced by G.
Molecular consequence: splice acceptor variant.
Genome position (GRCh38, 1-based): chr12:132,649,891, T>C on the plus strand (A>G on the coding strand, the complement: POLE is on the minus strand). VCF-style: chr12-132649891-T-C. GRCh37 (hg19) VCF-style: chr12-133226477-T-C.
Identifiers: ClinVar variation 5027041 (VCV005027041.1).